The following is an entry in ClinVar:

NM_003954.5(MAP3K14):c.2679+6G>T

Genes: MAP3K14 (mitogen-activated protein kinase kinase kinase 14; minus strand), MAP3K14-AS1 (MAP3K14 antisense RNA 1; plus strand). Cytogenetic location: 17q21.31.
Variant type: single nucleotide variant.
Coding change: c.2679+6G>T on transcript NM_003954.5 (MANE Select); 6 bases into the intron after coding-DNA position 2679, G replaced by T.
Molecular consequence: intron variant.
Genome position (GRCh38, 1-based): chr17:45,265,157, C>A on the plus strand (G>T on the coding strand, the complement: MAP3K14 is on the minus strand). VCF-style: chr17-45265157-C-A. GRCh37 (hg19) VCF-style: chr17-43342524-C-A.
Identifiers: ClinVar variation 2149345 (VCV002149345.3), dbSNP rs568415751, ClinGen allele CA291053075.
Genomic context (GRCh38, chr17:45,265,157, plus strand): 5'-GGAGGGTGGGGCCAGCTGCATTGGCTTCTGGGACTCTGCCCGTCAGAGTGTACCTGCCCC[C>A]CTTACCTGGCTGCTGATGCCAGTGGCGATGTCTCCCACTTTGACCCGGTGGAACTCCCGG-3'

ClinVar aggregate classification (germline): Uncertain significance (1 of 4 stars; one submission).

Conditions:
NIK deficiency. Also called: Primary immunodeficiency with multifaceted aberrant lymphoid immunity. Identifiers: Orphanet 447731, MedGen C5680065, MONDO:0018642.

Allele frequency attached by ClinVar (database versions not stated): TOPMed below 0.00001; 1000 Genomes Project 30x 0.00016; 1000 Genomes Project 0.00020.
gnomAD v4.1: 6 of 1,611,882 alleles (0.00037%); highest among the groups gnomAD compares: Non-Finnish European, 0.00051%; no homozygotes.

Submission:

Labcorp Genetics (formerly Invitae), Labcorp
Classification: Uncertain significance for NIK deficiency. Last evaluated: 2023-10-13. Review status: criteria provided, single submitter. Criteria: Invitae Variant Classification Sherloc (09022015). Collection method: clinical testing. Allele origin: germline.
Comment: This sequence change falls in intron 15 of the MAP3K14 gene. It does not directly change the encoded amino acid sequence of the MAP3K14 protein. It affects a nucleotide within the consensus splice site. This variant is present in population databases (rs568415751, gnomAD 0.0009%). This variant has not been reported in the literature in individuals affected with MAP3K14-related conditions. ClinVar contains an entry for this variant (Variation ID: 2149345). Variants that disrupt the consensus splice site are a relatively common cause of aberrant splicing (PMID: 17576681, 9536098). Algorithms developed to predict the effect of sequence changes on RNA splicing suggest that this variant is not likely to affect RNA splicing. In summary, the available evidence is currently insufficient to determine the role of this variant in disease. Therefore, it has been classified as a Variant of Uncertain Significance.

Literature cited by the submitters: PubMed 17576681; PubMed 9536098.